The following is an entry in ClinVar:

ClinVar aggregate classification (germline): Likely pathogenic (1 of 4 stars; one submission).

Conditions:
Early-infantile DEE. Also called: Ohtahara syndrome; Early infantile epileptic encephalopathy; Early infantile epileptic encephalopathy with suppression bursts. Identifiers: Orphanet 1934, MedGen C0393706, MONDO:0800491.

Submission:

Labcorp Genetics (formerly Invitae), Labcorp
Classification: Likely pathogenic for Early-infantile DEE. Last evaluated: 2023-10-28. Review status: criteria provided, single submitter. Criteria: Invitae Variant Classification Sherloc (09022015). Collection method: clinical testing. Allele origin: germline.
Comment: This sequence change affects a donor splice site in intron 30 of the CACNA2D2 gene. It is expected to disrupt RNA splicing. Variants that disrupt the donor or acceptor splice site typically lead to a loss of protein function (PMID: 16199547), and loss-of-function variants in CACNA2D2 are known to be pathogenic (PMID: 24358150). This variant is not present in population databases (gnomAD no frequency). This variant has not been reported in the literature in individuals affected with CACNA2D2-related conditions. Algorithms developed to predict the effect of sequence changes on RNA splicing suggest that this variant may disrupt the consensus splice site. In summary, the currently available evidence indicates that the variant is pathogenic, but additional data are needed to prove that conclusively. Therefore, this variant has been classified as Likely Pathogenic.

Literature cited by the submitters: PubMed 16199547; PubMed 24358150.

NM_006030.4(CACNA2D2):c.2637+1G>C

Genes: CACNA2D2 (calcium voltage-gated channel auxiliary subunit alpha2delta 2; minus strand), LOC101928965 (uncharacterized LOC101928965; plus strand), LOC127898564 (CYB561D2-LOC101928965; plus strand). Cytogenetic location: 3p21.31.
Variant type: single nucleotide variant.
Coding change: c.2637+1G>C on transcript NM_006030.4 (MANE Select); the canonical splice donor site of the intron after coding-DNA position 2637, G replaced by C.
Molecular consequence: splice donor variant.
Genome position (GRCh38, 1-based): chr3:50,366,577, C>G on the plus strand (G>C on the coding strand, the complement: CACNA2D2 is on the minus strand). VCF-style: chr3-50366577-C-G. GRCh37 (hg19) VCF-style: chr3-50404008-C-G.
Other names: c.2430+1G>C (NM_001291101.1); c.2637+1G>C (NM_001005505.3); c.2640+1G>C (NM_001410768.1); c.2658+1G>C (NM_001174051.3).
Identifiers: ClinVar variation 2772393 (VCV002772393.3), dbSNP rs2470983262, ClinGen allele CA352907210.
Genomic context (GRCh38, chr3:50,366,577, plus strand): 5'-GGACTAGGAAGTCTGGAAGTGGGGTAAGCTAGGGTCCAGGGTAGGTTCAGGGCACACACA[C>G]CTCATTGTTAACCTCGCAGTCCATCTCACAGTGGCTGTTGGGGCCGCACTGCTGGGCAGA-3'